The following is an entry in ClinVar:

ClinVar aggregate classification (germline): Conflicting classifications of pathogenicity. Review status: criteria provided, conflicting classifications (1 of 4 stars). 6 submissions from 5 submitters: Uncertain significance (3); Benign (1); Likely benign (1). 1 of the submissions does not count toward it. Last evaluated 2025-06-23.

Conditions:
Hereditary cancer-predisposing syndrome. Also called: Hereditary Cancer Syndrome; Neoplastic Syndromes, Hereditary; Tumor predisposition; Hereditary neoplastic syndrome. Identifiers: Orphanet 140162, MedGen C0027672, MeSH D009386, MONDO:0015356.
Cardiovascular phenotype. Identifiers: MedGen CN230736.
Neurofibromatosis, type 1 (NF1). Also called: NEUROFIBROMATOSIS, TYPE I, SOMATIC; VON RECKLINGHAUSEN DISEASE; Peripheral type neurofibromatosis; Neurofibromatosis, type I. Identifiers: Orphanet 636, MedGen C0027831, MONDO:0018975, OMIM 162200. Disease mechanism: loss of function.
Juvenile myelomonocytic leukemia (JMML). Also called: LEUKEMIA, JUVENILE MYELOMONOCYTIC, SOMATIC. Identifiers: Orphanet 86834, MedGen C0349639, MONDO:0011908, OMIM 607785, HP:0012209.

Submissions (6):

Ambry Genetics
Classification: Likely benign for Cardiovascular phenotype; Hereditary cancer-predisposing syndrome. Last evaluated: 2025-06-23. Review status: criteria provided, single submitter. Criteria: Ambry Variant Classification Scheme 2023. Collection method: clinical testing. Allele origin: germline.

Labcorp Genetics (formerly Invitae), Labcorp
Classification: Benign for Neurofibromatosis, type 1. Last evaluated: 2025-06-03. Review status: criteria provided, single submitter. Criteria: Invitae Variant Classification Sherloc (09022015). Collection method: clinical testing. Allele origin: germline.

Baylor Genetics
Classification: Uncertain significance for Juvenile myelomonocytic leukemia. Last evaluated: 2024-01-16. Review status: criteria provided, single submitter. Criteria: ACMG Guidelines, 2015. Collection method: clinical testing. Allele origin: unknown.

Genome-Nilou Lab
Classification: Uncertain significance for Neurofibromatosis, type 1. Last evaluated: 2022-03-15. Review status: criteria provided, single submitter. Criteria: ACMG Guidelines, 2015. Collection method: clinical testing. Allele origin: germline. Affected: no.

Ambry Genetics
Classification: Uncertain significance for Hereditary cancer-predisposing syndrome. Last evaluated: 2014-08-08. Review status: criteria provided, single submitter. Criteria: Ambry Autosomal Dominant and X-Linked criteria (10/2015). Collection method: clinical testing. Allele origin: germline. Observed: 1 variant allele.
Comment: Ã¢â‚¬â€¹<span style="background-color: initial;">The<strong style="background-color: initial;">p.G2481V<span style="background-color: initial;"> variant (also known as c.7442G>T), located in coding exon 50 of the<em style="background-color: initial;">NF1<span style="background-color: initial;"> gene, results from a G to T substitution at nucleotide position 7442. The glycine at codon 2481 is replaced by valine, an amino acid with dissimilar properties. This variant was not reported in population based cohorts in the following databases: Database of Single Nucleotide Polymorphisms (dbSNP), NHLBI Exome Sequencing Project (ESP), and 1000 Genomes Project. To date, this alteration has been detected with an allele frequency of approximately 0.01% (greater than 11000 alleles tested) in our clinical cohort. This amino acid position is not well conserved in available vertebrate species. In addition, this alteration is predicted to be benign and tolerated by PolyPhen and SIFT<em style="background-color: initial;">in silico<span style="background-color: initial;"> analyses, respectively. Since supporting evidence is limited at this time, the clinical significance of p.G2481V remains unclear.

Gharavi Laboratory, Columbia University
Classification: Uncertain significance. Last evaluated: 2018-09-16. Review status: no assertion criteria provided. Criteria: ACMG Guidelines, 2015. Collection method: research. Allele origin: germline. Affected: no. Not counted in ClinVar's aggregate classification.

NM_001042492.3(NF1):c.7442G>T (p.Gly2481Val)

Gene: NF1 (neurofibromin 1; plus strand). Cytogenetic location: 17q11.2.
Variant type: single nucleotide variant.
Coding change: c.7442G>T on transcript NM_001042492.3 (MANE Select); coding-DNA position 7442, G replaced by T.
Protein change: p.Gly2481Val; replaces glycine 2481 with valine.
Molecular consequence: missense variant.
Genome position (GRCh38, 1-based): chr17:31,350,303, G>T. VCF-style: chr17-31350303-G-T. GRCh37 (hg19) VCF-style: chr17-29677321-G-T.
Other names: c.7379G>T, p.Gly2460Val (NM_000267.4); short protein forms G2460V, G2481V.
Identifiers: ClinVar variation 185891 (VCV000185891.13), dbSNP rs786202540, ClinGen allele CA193266.